The following is an entry in ClinVar:

ClinVar aggregate classification (germline): Pathogenic (1 of 4 stars; one submission).

Submission:

Labcorp Genetics (formerly Invitae), Labcorp
Classification: Pathogenic. Last evaluated: 2022-11-09. Review status: criteria provided, single submitter. Criteria: Invitae Variant Classification Sherloc (09022015). Collection method: clinical testing. Allele origin: germline.
Comment: This sequence change creates a premature translational stop signal (p.Ala314Leufs*15) in the FH gene. It is expected to result in an absent or disrupted protein product. Loss-of-function variants in FH are known to be pathogenic (PMID: 11865300, 21398687). This variant is not present in population databases (gnomAD no frequency). For these reasons, this variant has been classified as Pathogenic. This variant is also known as c.810delA, p.Ala271fs. This premature translational stop signal has been observed in individual(s) with clinical features of hereditary leiomyomatosis and renal cell carcinoma (PMID: 21398687).

Literature cited by the submitters: PubMed 11865300; PubMed 21398687.

NM_000143.4(FH):c.939del (p.Ala314fs)

Gene: FH (fumarate hydratase; minus strand). Cytogenetic location: 1q43.
Variant type: Deletion.
Coding change: c.939del on transcript NM_000143.4 (MANE Select); coding-DNA position 939, one base deleted (A; older notation c.939delA).
Protein change: p.Ala314fs; shifts the reading frame from alanine 314.
Molecular consequence: frameshift variant.
Genome position (GRCh38, 1-based): chr1:241,504,211, T deleted on the plus strand (A on the coding strand, the reverse complement: FH is on the minus strand); the first of 2 consecutive T bases (chr1:241,504,211-241,504,212); deleting either gives the same sequence. VCF-style (leftmost placement, unchanged base first): chr1-241504210-CT-C. GRCh37 (hg19) VCF-style: chr1-241667510-CT-C.
Other names: short protein forms A314fs.
Identifiers: ClinVar variation 2734122 (VCV002734122.3), dbSNP rs2527319705, ClinGen allele CA2586968576.
Genomic context (GRCh38, chr1:241,504,210, plus strand): 5'-TGCAGGCAGTAGTGTTCATGGCTCCACTGAGCTCAACCAGAGCGTCATGAGCAGCCAGAG[CT>C]TCAAATTTATTCGGAGCAGTGACAAAAGGCAAGCCTAAAGAAAAGAAAAATATCCTAGAT-3'